The following is an entry in ClinVar:

ClinVar aggregate classification (germline): Uncertain significance. Review status: criteria provided, multiple submitters, no conflicts (2 of 4 stars). 2 submissions from 2 submitters: Uncertain significance (2). Last evaluated 2024-06-12.

Conditions:
Brain small vessel disease 1 with or without ocular anomalies (BSVD1). Also called: BRAIN SMALL VESSEL DISEASE WITH HEMORRHAGE; Brain small vessel disease with or without ocular anomalies; GOULD SYNDROME 1; PORENCEPHALY, TYPE 1, AUTOSOMAL DOMINANT. Identifiers: Orphanet 2940, Orphanet 36383, Orphanet 99810, MedGen C4755307, MONDO:0008289, OMIM 175780.
Hemorrhage, intracerebral, susceptibility to (ICH). Also called: Stroke, hemorrhagic, susceptibility to. Identifiers: MedGen C3281105, MONDO:0100533, OMIM 614519.
Retinal arterial tortuosity. Also called: RETINAL HEMORRHAGE WITH VASCULAR TORTUOSITY; Retinal arteries, tortuosity of. Identifiers: Orphanet 75326, MedGen C0423401, MONDO:0008373, OMIM 180000, HP:0000631.
Autosomal dominant familial hematuria-retinal arteriolar tortuosity-contractures syndrome. Also called: Angiopathy, hereditary, with nephropathy, aneurysms, and muscle cramps; Hereditary Angiopathy with Nephropathy, Aneurysms, and Muscle Cramps (HANAC) Syndrome. Identifiers: Orphanet 73229, MedGen C2673195, MONDO:0012726, OMIM 611773.
Microangiopathy and leukoencephalopathy, pontine, autosomal dominant. Also called: DEMENTIA, HEREDITARY MULTI-INFARCT, SWEDISH TYPE; Pontine autosomal dominant microangiopathy with leukoencephalopathy. Identifiers: Orphanet 477749, MedGen C5231411, MONDO:0032814, OMIM 618564.

Submissions (2):

Labcorp Genetics (formerly Invitae), Labcorp
Classification: Uncertain significance. Last evaluated: 2024-06-12. Review status: criteria provided, single submitter. Criteria: Invitae Variant Classification Sherloc (09022015). Collection method: clinical testing. Allele origin: germline.
Comment: This sequence change replaces threonine, which is neutral and polar, with lysine, which is basic and polar, at codon 753 of the COL4A1 protein (p.Thr753Lys). This variant is not present in population databases (gnomAD no frequency). This variant has not been reported in the literature in individuals affected with COL4A1-related conditions. An algorithm developed to predict the effect of missense changes on protein structure and function (PolyPhen-2) suggests that this variant is likely to be tolerated. In summary, the available evidence is currently insufficient to determine the role of this variant in disease. Therefore, it has been classified as a Variant of Uncertain Significance.

Fulgent Genetics
Classification: Uncertain significance for Brain small vessel disease 1 with or without ocular anomalies; Retinal arterial tortuosity; Autosomal dominant familial hematuria-retinal arteriolar tortuosity-contractures syndrome; Hemorrhage, intracerebral, susceptibility to; Microangiopathy and leukoencephalopathy, pontine, autosomal dominant. Last evaluated: 2024-01-09. Review status: criteria provided, single submitter. Criteria: ACMG Guidelines, 2015. Collection method: clinical testing. Allele origin: germline.

NM_001845.6(COL4A1):c.2258C>A (p.Thr753Lys)

Gene: COL4A1 (collagen type IV alpha 1 chain; minus strand). Cytogenetic location: 13q34.
Variant type: single nucleotide variant.
Coding change: c.2258C>A on transcript NM_001845.6 (MANE Select); coding-DNA position 2258, C replaced by A.
Protein change: p.Thr753Lys; replaces threonine 753 with lysine.
Molecular consequence: missense variant.
Genome position (GRCh38, 1-based): chr13:110,179,357, G>T on the plus strand (C>A on the coding strand, the complement: COL4A1 is on the minus strand). VCF-style: chr13-110179357-G-T. GRCh37 (hg19) VCF-style: chr13-110831704-G-T.
Other names: short protein forms T753K.
Identifiers: ClinVar variation 3575716 (VCV003575716.3).